The following is an entry in ClinVar:

ClinVar aggregate classification (germline): Benign/Likely benign. Review status: criteria provided, multiple submitters, no conflicts (2 of 4 stars). 4 submissions from 4 submitters: Benign (2); Likely benign (2). Last evaluated 2025-12-01.

Conditions:
Childhood apraxia of speech (SPCH1). Also called: SPEECH AND LANGUAGE DISORDER WITH OROFACIAL DYSPRAXIA; FOXP2-Related Speech and Language Disorder; Speech language disorder; DEVELOPMENTAL VERBAL DYSPRAXIA. Identifiers: Orphanet 209908, MedGen C0750927, MONDO:0011184, OMIM 602081.
Inborn genetic diseases. Identifiers: MedGen C0950123, MeSH D030342.

Allele frequency attached by ClinVar (database versions not stated): 1000 Genomes Project 30x 0.00016; 1000 Genomes Project 0.00020; gnomAD 0.00046 and 0.00049; TOPMed 0.00056; ESP Exome Variant Server 0.00062; ExAC 0.00065; gnomAD exomes 0.00073 and 0.00077.
gnomAD v4.1: 1,208 of 1,613,826 alleles (0.075%); highest among the groups gnomAD compares: Middle Eastern, 0.33%; 6 homozygotes.

Submissions (4):

CeGaT Center for Human Genetics Tuebingen
Classification: Likely benign. Last evaluated: 2025-12-01. Review status: criteria provided, single submitter. Criteria: CeGaT Center For Human Genetics Tuebingen Variant Classification Criteria Version 2. Collection method: clinical testing. Allele origin: germline. Affected: yes. Observed: 6 variant alleles.
Comment: FOXP2: BP4, BS1

Labcorp Genetics (formerly Invitae), Labcorp
Classification: Benign. Last evaluated: 2019-12-31. Review status: criteria provided, single submitter. Criteria: Invitae Variant Classification Sherloc (09022015). Collection method: clinical testing. Allele origin: germline.

Illumina Laboratory Services, Illumina
Classification: Benign for Childhood apraxia of speech. Last evaluated: 2018-01-12. Review status: criteria provided, single submitter. Criteria: ICSL Variant Classification Criteria 13 December 2019. Collection method: clinical testing. Allele origin: germline.
Comment: This variant was observed in the ICSL laboratory as part of a predisposition screen in an ostensibly healthy population. It had not been previously curated by ICSL or reported in the Human Gene Mutation Database (HGMD: prior to June 1st, 2018), and was therefore a candidate for classification through an automated scoring system. Utilizing variant allele frequency, disease prevalence and penetrance estimates, and inheritance mode, an automated score was calculated to assess if this variant is too frequent to cause the disease. Based on the score and internal cut-off values, a variant classified as benign is not then subjected to further curation. The score for this variant resulted in a classification of benign for this disease.

Ambry Genetics
Classification: Likely benign for Inborn genetic diseases. Last evaluated: 2016-12-21. Review status: criteria provided, single submitter. Criteria: Ambry Variant Classification Scheme 2023. Collection method: clinical testing. Allele origin: germline.

NM_014491.4(FOXP2):c.1371T>C (p.Ile457=)

Gene: FOXP2 (forkhead box P2; plus strand). Cytogenetic location: 7q31.1.
Variant type: single nucleotide variant.
Coding change: c.1371T>C on transcript NM_014491.4 (MANE Select); coding-DNA position 1371, T replaced by C.
Protein change: p.Ile457=; no amino-acid change (isoleucine 457 retained).
Molecular consequence: synonymous variant. On other transcripts: non-coding transcript variant (1).
Genome position (GRCh38, 1-based): chr7:114,658,170, T>C. VCF-style: chr7-114658170-T-C. GRCh37 (hg19) VCF-style: chr7-114298225-T-C.
Other names: c.1368T>C, p.Ile456= (NM_001172766.3); c.1446T>C, p.Ile482= (NM_148898.4); c.1422T>C, p.Ile474= (NM_148900.4).
Identifiers: ClinVar variation 588565 (VCV000588565.36), dbSNP rs61753357, ClinGen allele CA4446093.